The following is an entry in ClinVar:

NM_000212.3(ITGB3):c.2184G>A (p.Gly728=)

Genes: EFCAB13-DT (EFCAB13 divergent transcript; minus strand), ITGB3 (integrin subunit beta 3; plus strand). Cytogenetic location: 17q21.32.
Variant type: single nucleotide variant.
Coding change: c.2184G>A on transcript NM_000212.3 (MANE Select); coding-DNA position 2184, G replaced by A.
Protein change: p.Gly728=; no amino-acid change (glycine 728 retained).
Molecular consequence: synonymous variant.
Genome position (GRCh38, 1-based): chr17:47,307,520, G>A. VCF-style: chr17-47307520-G-A. GRCh37 (hg19) VCF-style: chr17-45384886-G-A.
Identifiers: ClinVar variation 2722032 (VCV002722032.9), dbSNP rs376459842, ClinGen allele CA8623472.

ClinVar aggregate classification (germline): Likely benign. Review status: criteria provided, multiple submitters, no conflicts (2 of 4 stars). 4 submissions from 4 submitters: Likely benign (4). Last evaluated 2026-03-01.

Conditions:
ITGB3-related disorder. Also called: ITGB3-related condition.

Allele frequency attached by ClinVar (database versions not stated): ESP Exome Variant Server 0.00008; gnomAD 0.00011; TOPMed 0.00003; ExAC 0.00006; gnomAD exomes 0.00007.
gnomAD v4.1: 125 of 1,614,000 alleles (0.0077%); highest among the groups gnomAD compares: Middle Eastern, 0.049%; no homozygotes.

Submissions (4):

CeGaT Center for Human Genetics Tuebingen
Classification: Likely benign. Last evaluated: 2026-03-01. Review status: criteria provided, single submitter. Criteria: CeGaT Center For Human Genetics Tuebingen Variant Classification Criteria Version 2. Collection method: clinical testing. Allele origin: germline. Affected: yes. Observed: 1 variant allele.
Comment: ITGB3: BP4, BP7

Labcorp Genetics (formerly Invitae), Labcorp
Classification: Likely benign. Last evaluated: 2025-11-21. Review status: criteria provided, single submitter. Criteria: Invitae Variant Classification Sherloc (09022015). Collection method: clinical testing. Allele origin: germline.

PreventionGenetics, part of Exact Sciences
Classification: Likely benign for ITGB3-related condition. Last evaluated: 2024-10-31. Review status: criteria provided, single submitter. Criteria: ACMG Guidelines, 2015. Collection method: clinical testing. Allele origin: germline.
Comment: This variant is classified as likely benign based on ACMG/AMP sequence variant interpretation guidelines (Richards et al. 2015 PMID: 25741868, with internal and published modifications).

Blueprint Genetics
Classification: Likely benign. Last evaluated: 2024-09-20. Review status: criteria provided, single submitter. Criteria: ACMG Guidelines, 2015. Collection method: clinical testing. Allele origin: germline.